The following is an entry in ClinVar:

ClinVar aggregate classification (germline): Pathogenic. Review status: criteria provided, multiple submitters, no conflicts (2 of 4 stars). 9 submissions from 9 submitters: Pathogenic (8). 1 of the submissions does not count toward it. Last evaluated 2026-09-18.

Conditions:
Ataxia - intellectual disability - oculomotor apraxia - cerebellar cysts syndrome. Also called: Poretti-Boltshauser syndrome. Identifiers: Orphanet 370022, MedGen C4014821, MONDO:0014419, OMIM 615960.
LAMA1-related disorder. Also called: LAMA1-related disorders; LAMA1-related condition.

Allele frequency attached by ClinVar (database versions not stated): gnomAD 0.00003; ExAC 0.00004; gnomAD exomes 0.00004 and 0.00022; ESP Exome Variant Server 0.00008; TOPMed 0.00012.
gnomAD v4.1: 320 of 1,609,830 alleles (0.02%); highest among the groups gnomAD compares: Non-Finnish European, 0.026%; no homozygotes.

Submissions (9):

PreventionGenetics, part of Exact Sciences
Classification: Pathogenic for LAMA1-related condition. Last evaluated: 2026-09-18. Review status: criteria provided, single submitter. Criteria: ACMG Guidelines, 2015. Collection method: clinical testing. Allele origin: germline.
Comment: The LAMA1 c.2344C>T variant is predicted to result in premature protein termination (p.Arg782*). This variant has been reported in the homozygous state or compound heterozygous state with a second LAMA1 loss-of-function variant in multiple individuals with clinical features of Poretti-Boltshauser syndrome (Powell et al. 2021. PubMed ID: 34423300; Cai et al. 2022. PubMed ID: 32195884; Table S1, Abu Elasal et al. 2024. PubMed ID: 39062705). This variant is reported in 0.0073% of alleles in individuals of European (Non-Finnish) descent in gnomAD. Nonsense variants in LAMA1 are expected to be pathogenic. This variant is interpreted as pathogenic.

Clinical Genetics Laboratory, Skane University Hospital Lund
Classification: Pathogenic for Ataxia - intellectual disability - oculomotor apraxia - cerebellar cysts syndrome. Last evaluated: 2025-11-26. Review status: criteria provided, single submitter. Criteria: ACMG Guidelines, 2015. Collection method: clinical testing. Allele origin: germline. Affected: yes.
Comment: ACMG criteria applied: PVS1, PM2 and PM3_supporting.

Labcorp Genetics (formerly Invitae), Labcorp
Classification: Pathogenic. Last evaluated: 2025-09-16. Review status: criteria provided, single submitter. Criteria: Invitae Variant Classification Sherloc (09022015). Collection method: clinical testing. Allele origin: germline.
Comment: This sequence change creates a premature translational stop signal (p.Arg782*) in the LAMA1 gene. It is expected to result in an absent or disrupted protein product. Loss-of-function variants in LAMA1 are known to be pathogenic (PMID: 25105227, 26932191). This variant is present in population databases (rs374851540, gnomAD 0.007%). This premature translational stop signal has been observed in individual(s) with clinical features of LAMA1-related conditions (PMID: 34423300). ClinVar contains an entry for this variant (Variation ID: 523859). For these reasons, this variant has been classified as Pathogenic.

Greenwood Genetic Center Diagnostic Laboratories, Greenwood Genetic Center
Classification: Pathogenic for Ataxia - intellectual disability - oculomotor apraxia - cerebellar cysts syndrome. Last evaluated: 2025-04-28. Review status: criteria provided, single submitter. Criteria: ACMG Guidelines, 2015. Collection method: clinical testing. Allele origin: germline. Affected: yes.
Comment: PVS1, PM2, PM3_Supporting

Victorian Clinical Genetics Services, Murdoch Childrens Research Institute
Classification: Pathogenic for Ataxia - intellectual disability - oculomotor apraxia - cerebellar cysts syndrome. Last evaluated: 2024-11-25. Review status: criteria provided, single submitter. Criteria: ACMG Guidelines, 2015. Collection method: clinical testing. Allele origin: germline. Affected: yes.
Comment: This variant is classified as Pathogenic. Evidence in support of pathogenic classification: Variant is predicted to cause nonsense-mediated decay (NMD) and loss of protein (premature termination codon is located at least 54 nucleotides upstream of the final exon-exon junction); Variant is present in gnomAD <0.01 for a recessive condition (v4: 320 heterozygotes, 0 homozygotes); This variant has strong previous evidence of pathogenicity in unrelated individuals. This variant has been classified as pathogenic by clinical laboratories in ClinVar, and has been reported in the literature in affected individuals (PMID: 34423300); Other NMD-predicted variants comparable to the one identified in this case have very strong previous evidence for pathogenicity (DECIPHER). Additional information: This variant is heterozygous; This gene is associated with autosomal recessive disease; Loss of function is a known mechanism of disease in this gene and is associated with Poretti-Boltshauser syndrome (MIM#615960).

Revvity Omics, Revvity
Classification: Pathogenic for Ataxia - intellectual disability - oculomotor apraxia - cerebellar cysts syndrome. Last evaluated: 2023-04-17. Review status: criteria provided, single submitter. Criteria: ACMG Guidelines, 2015. Collection method: clinical testing. Allele origin: germline.

Blueprint Genetics
Classification: Pathogenic for LAMA1-related disorders. Last evaluated: 2023-03-15. Review status: criteria provided, single submitter. Criteria: ACMG Guidelines, 2015. Collection method: clinical testing. Allele origin: germline. Affected: yes. Observed: 5 variant alleles.

GeneDx
Classification: Pathogenic. Last evaluated: 2022-02-08. Review status: criteria provided, single submitter. Criteria: GeneDx Variant Classification Process June 2021. Collection method: clinical testing. Allele origin: germline. Affected: yes.
Comment: Nonsense variant predicted to result in protein truncation or nonsense mediated decay in a gene for which loss-of-function is a known mechanism of disease; This variant is associated with the following publications: (PMID: 34423300)

Sayer Lab, Translational and Clinical Research Institute, Newcastle Unversity
Classification: Pathogenic for Ataxia - intellectual disability - oculomotor apraxia - cerebellar cysts syndrome. Last evaluated: 2021-05-21. Review status: no assertion criteria provided. Collection method: clinical testing. Allele origin: unknown. Inheritance: Autosomal recessive inheritance. Affected: yes. Observed: 1 variant allele, 1 compound heterozygote. Not counted in ClinVar's aggregate classification.

Literature cited by the submitters: PubMed 25105227 (cited by Labcorp Genetics (formerly Invitae), Labcorp); PubMed 26932191 (cited by Labcorp Genetics (formerly Invitae), Labcorp); PubMed 34423300 (cited by Labcorp Genetics (formerly Invitae), Labcorp and Victorian Clinical Genetics Services, Murdoch Childrens Research Institute).

NM_005559.4(LAMA1):c.2344C>T (p.Arg782Ter)

Gene: LAMA1 (laminin subunit alpha 1; minus strand). Cytogenetic location: 18p11.31.
Variant type: single nucleotide variant.
Coding change: c.2344C>T on transcript NM_005559.4 (MANE Select); coding-DNA position 2344, C replaced by T.
Protein change: p.Arg782Ter; replaces arginine 782 with a stop codon.
Molecular consequence: nonsense.
Genome position (GRCh38, 1-based): chr18:7,026,037, G>A on the plus strand (C>T on the coding strand, the complement: LAMA1 is on the minus strand). VCF-style: chr18-7026037-G-A. GRCh37 (hg19) VCF-style: chr18-7026036-G-A.
Other names: short protein forms R782*.
Identifiers: ClinVar variation 523859 (VCV000523859.21), dbSNP rs374851540, ClinGen allele CA8882678.